The following is an entry in ClinVar:

NM_001352754.2(ARMC9):c.2325G>A (p.Trp775Ter)

Gene: ARMC9 (armadillo repeat containing 9; plus strand). Cytogenetic location: 2q37.1.
Variant type: single nucleotide variant.
Coding change: c.2325G>A on transcript NM_001352754.2 (MANE Select); coding-DNA position 2325, G replaced by A.
Protein change: p.Trp775Ter; replaces tryptophan 775 with a stop codon.
Molecular consequence: nonsense.
Genome position (GRCh38, 1-based): chr2:231,370,016, G>A. VCF-style: chr2-231370016-G-A. GRCh37 (hg19) VCF-style: chr2-232234727-G-A.
Other names: c.2325G>A, p.Trp775Ter (NM_001271466.4); short protein forms W775*.
Identifiers: ClinVar variation 1465164 (VCV001465164.6), dbSNP rs1232881018, ClinGen allele CA350959364.

ClinVar aggregate classification (germline): Uncertain significance (1 of 4 stars; one submission).

Submission:

Labcorp Genetics (formerly Invitae), Labcorp
Classification: Uncertain significance. Last evaluated: 2021-05-25. Review status: criteria provided, single submitter. Criteria: Invitae Variant Classification Sherloc (09022015). Collection method: clinical testing. Allele origin: germline.
Comment: This variant has not been reported in the literature in individuals with ARMC9-related conditions. The frequency data for this variant in the population databases is considered unreliable, as metrics indicate insufficient coverage at this position in the ExAC database. This sequence change creates a premature translational stop signal (p.Trp775*) in the ARMC9 gene. However, it is currently unclear if variants that occur in this region of the gene cause disease. In summary, the available evidence is currently insufficient to determine the role of this variant in disease. Therefore, it has been classified as a Variant of Uncertain Significance.